The following is an entry in ClinVar:

NM_001718.6(BMP6):c.1188G>T (p.Arg396=)

Gene: BMP6 (bone morphogenetic protein 6; plus strand). Cytogenetic location: 6p24.3.
Variant type: single nucleotide variant.
Coding change: c.1188G>T on transcript NM_001718.6 (MANE Select); coding-DNA position 1188, G replaced by T.
Protein change: p.Arg396=; no amino-acid change (arginine 396 retained).
Molecular consequence: synonymous variant.
Genome position (GRCh38, 1-based): chr6:7,862,482, G>T. VCF-style: chr6-7862482-G-T. GRCh37 (hg19) VCF-style: chr6-7862715-G-T.
Identifiers: ClinVar variation 3056476 (VCV003056476.2), dbSNP rs201606023, ClinGen allele CA3628854.

ClinVar aggregate classification (germline): Likely benign (0 of 4 stars; one submission).

Conditions:
BMP6-related disorder. Also called: BMP6-related condition.

Allele frequency attached by ClinVar (database versions not stated): gnomAD 0.00005; TOPMed 0.00005; ExAC 0.00026.
gnomAD v4.1: 216 of 1,614,002 alleles (0.013%); highest among the groups gnomAD compares: Middle Eastern, 0.43%; 2 homozygotes.

Submission:

PreventionGenetics, part of Exact Sciences
Classification: Likely benign for BMP6-related condition. Last evaluated: 2019-02-22. Review status: no assertion criteria provided. Collection method: clinical testing. Allele origin: germline.
Comment: This variant is classified as likely benign based on ACMG/AMP sequence variant interpretation guidelines (Richards et al. 2015 PMID: 25741868, with internal and published modifications).